The following is an entry in ClinVar:

NM_003919.3(SGCE):c.463+1G>A

Genes: CASD1 (CAS1 domain sialic acid O acetyltransferase 1; plus strand), SGCE (sarcoglycan epsilon; minus strand). Cytogenetic location: 7q21.3.
Variant type: single nucleotide variant.
Coding change: c.463+1G>A on transcript NM_003919.3 (MANE Select); the canonical splice donor site of the intron after coding-DNA position 463, G replaced by A.
Molecular consequence: splice donor variant.
Genome position (GRCh38, 1-based): chr7:94,623,324, C>T on the plus strand (G>A on the coding strand, the complement: SGCE is on the minus strand). VCF-style: chr7-94623324-C-T. GRCh37 (hg19) VCF-style: chr7-94252636-C-T.
Other names: c.340+1G>A (NM_001362809.2, NM_001301139.2); c.463+1G>A (NM_001346717.2, NM_001099400.2, NM_001099401.2); c.571+1G>A (NM_001346715.2, NM_001346713.2); c.376+1G>A (NM_001362807.2, NM_001346719.2); c.190+1G>A (NM_001362808.2, NM_001346720.2).
Identifiers: ClinVar variation 654935 (VCV000654935.9), dbSNP rs1584663290, ClinGen allele CA368236579.

ClinVar aggregate classification (germline): Pathogenic (1 of 4 stars; one submission).

Conditions:
Myoclonic dystonia 11 (DYT11). Also called: SGCE Myoclonus-Dystonia; Myoclonus-Dystonia; DYT-SGCE; Myoclonic dystonia; Dystonia 11; Dystonia, alcohol responsive. Identifiers: Orphanet 36899, MedGen C1834570, MONDO:0008044, OMIM 159900.

Allele frequency attached by ClinVar (database versions not stated): gnomAD exomes below 0.00001.
gnomAD v4.1: 1 of 1,561,846 alleles (0.000064%); highest among the groups gnomAD compares: Non-Finnish European, 0.000088%; no homozygotes.

Submission:

Labcorp Genetics (formerly Invitae), Labcorp
Classification: Pathogenic for Myoclonic dystonia 11. Last evaluated: 2018-07-08. Review status: criteria provided, single submitter. Criteria: Invitae Variant Classification Sherloc (09022015). Collection method: clinical testing. Allele origin: germline.
Comment: This sequence change affects a donor splice site in intron 4 of the SGCE gene. It is expected to disrupt RNA splicing and likely results in an absent or disrupted protein product. This variant is not present in population databases (ExAC no frequency). This variant has been observed in an individual affected with myoclonus dystonia (PMID: 23365103). Donor and acceptor splice site variants typically lead to a loss of protein function (PMID: 16199547), and loss-of-function variants in SGCE are known to be pathogenic (PMID: 12821748, 15389977, 24297365). For these reasons, this variant has been classified as Pathogenic.

Literature cited by the submitters: PubMed 23365103; PubMed 16199547; PubMed 12821748; PubMed 15389977; PubMed 24297365.